The following is an entry in ClinVar:

NM_020759.3(STARD9):c.6896T>G (p.Leu2299Arg)

Gene: STARD9 (StAR related lipid transfer domain containing 9; plus strand). Cytogenetic location: 15q15.2.
Variant type: single nucleotide variant.
Coding change: c.6896T>G on transcript NM_020759.3 (MANE Select); coding-DNA position 6896, T replaced by G.
Protein change: p.Leu2299Arg; replaces leucine 2299 with arginine.
Molecular consequence: missense variant.
Genome position (GRCh38, 1-based): chr15:42,688,474, T>G. VCF-style: chr15-42688474-T-G. GRCh37 (hg19) VCF-style: chr15-42980672-T-G.
Other names: short protein forms L2299R.
Identifiers: ClinVar variation 3765785 (VCV003765785.1).

ClinVar aggregate classification (germline): Uncertain significance (1 of 4 stars; one submission).

gnomAD v4.1: 11 of 1,537,892 alleles (0.00072%); highest among the groups gnomAD compares: Non-Finnish European, 0.00087%; no homozygotes.

Submission:

Greenwood Genetic Center Diagnostic Laboratories, Greenwood Genetic Center
Classification: Uncertain significance. Last evaluated: 2024-11-21. Review status: criteria provided, single submitter. Criteria: ACMG Guidelines, 2015. Collection method: clinical testing. Allele origin: germline. Affected: yes.
Comment: Gene of Uncertain Significance